The following is an entry in ClinVar:

ClinVar aggregate classification (germline): Uncertain significance. Review status: criteria provided, multiple submitters, no conflicts (2 of 4 stars). 3 submissions from 3 submitters: Uncertain significance (3). Last evaluated 2024-01-23.

Conditions:
Inborn genetic diseases. Identifiers: MedGen C0950123, MeSH D030342.
Fanconi anemia (FA). Also called: Fanconi's anemia. Identifiers: Orphanet 84, MedGen C0015625, MeSH D005199, MONDO:0019391.
Fanconi anemia complementation group F. Also called: FANCF-Related Fanconi Anemia. Identifiers: Orphanet 84, MedGen C3469526, MONDO:0011325, OMIM 603467.

Allele frequency attached by ClinVar (database versions not stated): gnomAD exomes below 0.00001; TOPMed 0.00001.
gnomAD v4.1: 3 of 1,614,144 alleles (0.00019%); highest among the groups gnomAD compares: East Asian, 0.0045%; no homozygotes.

Submissions (3):

Ambry Genetics
Classification: Uncertain significance for Inborn genetic diseases. Last evaluated: 2024-01-23. Review status: criteria provided, single submitter. Criteria: Ambry Variant Classification Scheme 2023. Collection method: clinical testing. Allele origin: germline.

Fulgent Genetics
Classification: Uncertain significance for Fanconi anemia complementation group F. Last evaluated: 2022-03-15. Review status: criteria provided, single submitter. Criteria: ACMG Guidelines, 2015. Collection method: clinical testing. Allele origin: unknown.

Labcorp Genetics (formerly Invitae), Labcorp
Classification: Uncertain significance for Fanconi anemia. Last evaluated: 2021-03-17. Review status: criteria provided, single submitter. Criteria: Invitae Variant Classification Sherloc (09022015). Collection method: clinical testing. Allele origin: germline.
Comment: In summary, the available evidence is currently insufficient to determine the role of this variant in disease. Therefore, it has been classified as a Variant of Uncertain Significance. Algorithms developed to predict the effect of missense changes on protein structure and function are either unavailable or do not agree on the potential impact of this missense change (SIFT: "Tolerated"; PolyPhen-2: "Possibly Damaging"; Align-GVGD: "Class C0"). This sequence change replaces threonine with isoleucine at codon 331 of the FANCF protein (p.Thr331Ile). The threonine residue is weakly conserved and there is a moderate physicochemical difference between threonine and isoleucine. This variant is not present in population databases (ExAC no frequency). This variant has not been reported in the literature in individuals with FANCF-related conditions.

NM_022725.4(FANCF):c.992C>T (p.Thr331Ile)

Genes: FANCF (FA complementation group F; minus strand), LOC130005443 (ATAC-STARR-seq lymphoblastoid active region 4533; plus strand). Cytogenetic location: 11p14.3.
Variant type: single nucleotide variant.
Coding change: c.992C>T on transcript NM_022725.4 (MANE Select); coding-DNA position 992, C replaced by T.
Protein change: p.Thr331Ile; replaces threonine 331 with isoleucine.
Molecular consequence: missense variant.
Genome position (GRCh38, 1-based): chr11:22,624,819, G>A on the plus strand (C>T on the coding strand, the complement: FANCF is on the minus strand). VCF-style: chr11-22624819-G-A. GRCh37 (hg19) VCF-style: chr11-22646365-G-A.
Other names: c.992C>T (NM_022725.3); short protein forms T331I.
Identifiers: ClinVar variation 1053615 (VCV001053615.10), dbSNP rs1250903119, ClinGen allele CA380057903.